The following is an entry in ClinVar:

ClinVar aggregate classification (germline): Uncertain significance (1 of 4 stars; one submission).

Submission:

GeneDx
Classification: Uncertain significance. Last evaluated: 2025-03-18. Review status: criteria provided, single submitter. Criteria: GeneDx Variant Classification Process June 2021. Collection method: clinical testing. Allele origin: germline. Affected: yes.
Comment: Not observed at significant frequency in large population cohorts (gnomAD); In silico analysis supports that this missense variant has a deleterious effect on protein structure/function; Has not been previously published as pathogenic or benign to our knowledge

NM_000535.7(PMS2):c.1334G>T (p.Ser445Ile)

Gene: PMS2 (PMS1 homolog 2, mismatch repair system component; minus strand). Cytogenetic location: 7p22.1.
Variant type: single nucleotide variant.
Coding change: c.1334G>T on transcript NM_000535.7 (MANE Select); coding-DNA position 1334, G replaced by T.
Protein change: p.Ser445Ile; replaces serine 445 with isoleucine.
Molecular consequence: missense variant. On other transcripts: non-coding transcript variant (1), intron variant (1).
Genome position (GRCh38, 1-based): chr7:5,987,431, C>A on the plus strand (G>T on the coding strand, the complement: PMS2 is on the minus strand). VCF-style: chr7-5987431-C-A. GRCh37 (hg19) VCF-style: chr7-6027062-C-A.
Other names: c.1166G>T, p.Ser389Ile (NM_001406874.1); c.1025G>T, p.Ser342Ile (NM_001406875.1, NM_001406877.1, NM_001406878.1 and 5 more transcripts); c.1016G>T, p.Ser339Ile (NM_001406876.1, NM_001406883.1, NM_001322007.2 and 2 more transcripts); c.929G>T, p.Ser310Ile (NM_001406893.1, NM_001406894.1, NM_001406895.1 and 16 more transcripts); c.869G>T, p.Ser290Ile (NM_001406900.1); c.860G>T, p.Ser287Ile (NM_001406901.1, NM_001406902.1); c.1178G>T, p.Ser393Ile (NM_001322006.2, NM_001406870.1); c.773G>T, p.Ser258Ile (NM_001322010.2, NM_001406906.1, NM_001406907.1); and 13 more; short protein forms S134I, S188I, S254I, S258I, S274I, S287I, S290I, S310I.
Identifiers: ClinVar variation 4086637 (VCV004086637.1).
Genomic context (GRCh38, chr7:5,987,431, plus strand): 5'-TTGTCAGAGATGGCACCTGAAGTGCTAGAAGACAGCATACCCCTTTTCTGTCCTAGAGGG[C>A]TCCTTCTTGGTTCTGGAGTCTTTGGGCTGTGAGGCTTGTTCTCTGTTGTGTGACGAAGAG-3'
Protein context (NP_000526.2, residues 435-455): HSPKTPEPRR[Ser445Ile]PLGQKRGMLS